The following is an entry in ClinVar:

ClinVar aggregate classification (germline): Benign/Likely benign. Review status: criteria provided, multiple submitters, no conflicts (2 of 4 stars). 3 submissions from 3 submitters: Benign (1); Likely benign (2). Last evaluated 2025-07-19.

Conditions:
Autosomal recessive limb-girdle muscular dystrophy type 2W (MDRCMTT). Also called: Muscular dystrophy, limb-girdle, type 2W; Muscular dystrophy, autosomal recessive, with cardiomyopathy and triangular tongue. Identifiers: MedGen C4225192, MONDO:0014788, OMIM 616827.

Allele frequency attached by ClinVar (database versions not stated): gnomAD 0.00014 and 0.00015; TOPMed 0.00016; 1000 Genomes Project 0.00040; 1000 Genomes Project 30x 0.00062.
gnomAD v4.1: 151 of 1,612,978 alleles (0.0094%); highest among the groups gnomAD compares: East Asian, 0.17%; 1 homozygote.

Submissions (3):

Labcorp Genetics (formerly Invitae), Labcorp
Classification: Benign for Autosomal recessive limb-girdle muscular dystrophy type 2W. Last evaluated: 2025-07-19. Review status: criteria provided, single submitter. Criteria: Invitae Variant Classification Sherloc (09022015). Collection method: clinical testing. Allele origin: germline.

Blueprint Genetics
Classification: Likely benign. Last evaluated: 2024-08-11. Review status: criteria provided, single submitter. Criteria: ACMG Guidelines, 2015. Collection method: clinical testing. Allele origin: germline.

CeGaT Center for Human Genetics Tuebingen
Classification: Likely benign. Last evaluated: 2023-07-01. Review status: criteria provided, single submitter. Criteria: CeGaT Center For Human Genetics Tuebingen Variant Classification Criteria Version 2. Collection method: clinical testing. Allele origin: germline. Affected: yes. Observed: 1 variant allele.
Comment: LIMS2: BP4, BP7

NM_001161403.3(LIMS2):c.765C>T (p.Asp255=)

Gene: LIMS2 (LIM zinc finger domain containing 2; minus strand). Cytogenetic location: 2q14.3.
Variant type: single nucleotide variant.
Coding change: c.765C>T on transcript NM_001161403.3 (MANE Select); coding-DNA position 765, C replaced by T.
Protein change: p.Asp255=; no amino-acid change (aspartic acid 255 retained).
Molecular consequence: synonymous variant.
Genome position (GRCh38, 1-based): chr2:127,640,307, G>A on the plus strand (C>T on the coding strand, the complement: LIMS2 is on the minus strand). VCF-style: chr2-127640307-G-A. GRCh37 (hg19) VCF-style: chr2-128397882-G-A.
Other names: c.831C>T, p.Asp277= (NM_001136037.4); c.750C>T, p.Asp250= (NM_001161404.2); c.309C>T, p.Asp103= (NM_001256542.2); c.837C>T, p.Asp279= (NM_017980.5).
Identifiers: ClinVar variation 475550 (VCV000475550.35), dbSNP rs199994172, ClinGen allele CA1862888.